The following is an entry in ClinVar:

ClinVar aggregate classification (germline): Benign/Likely benign. Review status: criteria provided, multiple submitters, no conflicts (2 of 4 stars). 5 submissions from 5 submitters: Benign (1); Likely benign (4). Last evaluated 2025-12-29.

Conditions:
Hereditary cancer-predisposing syndrome. Also called: Tumor predisposition; Hereditary Cancer Syndrome; Hereditary neoplastic syndrome; Neoplastic Syndromes, Hereditary. Identifiers: Orphanet 140162, MedGen C0027672, MeSH D009386, MONDO:0015356.
Breast-ovarian cancer, familial, susceptibility to, 4. Identifiers: Orphanet 145, MedGen C3280345, MONDO:0013669, OMIM 614291.

Allele frequency attached by ClinVar (database versions not stated): gnomAD exomes below 0.00001.
gnomAD v4.1: 1 of 1,612,134 alleles (0.000062%); highest among the groups gnomAD compares: African/African-American, 0.0013%; no homozygotes.

Submissions (5):

Center for Genomic Medicine, Rigshospitalet, Copenhagen University Hospital
Classification: Likely benign. Last evaluated: 2025-12-29. Review status: criteria provided, single submitter. Criteria: ACMG Guidelines, 2015. Collection method: clinical testing. Allele origin: germline.

Myriad Genetics, Inc.
Classification: Benign for Breast-ovarian cancer, familial, susceptibility to, 4. Last evaluated: 2025-02-24. Review status: criteria provided, single submitter. Criteria: Myriad Autosomal Dominant, Autosomal Recessive and X-Linked Classification Criteria (2023). Collection method: clinical testing. Allele origin: unknown.
Comment: This variant is considered benign. This variant is a silent/synonymous amino acid change and it is not expected to impact splicing.

Labcorp Genetics (formerly Invitae), Labcorp
Classification: Likely benign for Breast-ovarian cancer, familial, susceptibility to, 4. Last evaluated: 2024-08-07. Review status: criteria provided, single submitter. Criteria: Invitae Variant Classification Sherloc (09022015). Collection method: clinical testing. Allele origin: germline.

Color Diagnostics, LLC DBA Color Health
Classification: Likely benign for Hereditary cancer-predisposing syndrome. Last evaluated: 2019-01-07. Review status: criteria provided, single submitter. Criteria: ACMG Guidelines, 2015. Collection method: clinical testing. Allele origin: germline.

Ambry Genetics
Classification: Likely benign for Hereditary cancer-predisposing syndrome. Last evaluated: 2016-06-08. Review status: criteria provided, single submitter. Criteria: Ambry Variant Classification Scheme 2023. Collection method: clinical testing. Allele origin: germline.

NM_002878.4(RAD51D):c.690G>A (p.Leu230=)

Genes: RAD51L3-RFFL (RAD51L3-RFFL readthrough; minus strand), RAD51D (RAD51 paralog D; minus strand). Cytogenetic location: 17q12.
Variant type: single nucleotide variant.
Coding change: c.690G>A on transcript NM_002878.4 (MANE Select); coding-DNA position 690, G replaced by A.
Protein change: p.Leu230=; no amino-acid change (leucine 230 retained).
Molecular consequence: synonymous variant. On other transcripts: non-coding transcript variant (3).
Genome position (GRCh38, 1-based): chr17:35,103,302, C>T on the plus strand (G>A on the coding strand, the complement: RAD51D is on the minus strand). VCF-style: chr17-35103302-C-T. GRCh37 (hg19) VCF-style: chr17-33430321-C-T.
Other names: c.750G>A, p.Leu250= (NM_001142571.2); c.354G>A, p.Leu118= (NM_133629.3).
Identifiers: ClinVar variation 486280 (VCV000486280.19), dbSNP rs1555567526, ClinGen allele CA499730501.
Genomic context (GRCh38, chr17:35,103,302, plus strand): 5'-CTGCTTCCTCACCACCACTGCCATGCCAAGGTCCCGGGCCAGGGTCTTCAGCTCTCGGGC[C>T]AGCTGCATCATCAAGGCCAAGCCTGCAGGAGGAGGAGAAGCAGAGAGGGAGGGCAGTGGG-3'
Protein context (NP_002869.3, residues 220-240): QREGLALMMQ[Leu230=]ARELKTLARD